The following is an entry in ClinVar:

ClinVar aggregate classification (germline): Uncertain significance. Review status: criteria provided, multiple submitters, no conflicts (2 of 4 stars). 3 submissions from 3 submitters: Uncertain significance (3). Last evaluated 2025-03-17.

Conditions:
Immunodeficiency 35 (IMD35). Also called: Susceptibility to infection due to TYK2 deficiency; HYPER-IgE SYNDROME WITH ATYPICAL MYCOBACTERIOSIS, AUTOSOMAL RECESSIVE; TYK2 DEFICIENCY; HIES WITH ATYPICAL MYCOBACTERIOSIS, AUTOSOMAL RECESSIVE. Identifiers: Orphanet 331226, MedGen C1969086, MONDO:0012682, OMIM 611521.

Allele frequency attached by ClinVar (database versions not stated): gnomAD exomes 0.00002 and 0.00005; gnomAD 0.00003 and 0.00004; TOPMed 0.00003; ExAC 0.00008.
gnomAD v4.1: 38 of 1,605,570 alleles (0.0024%); highest among the groups gnomAD compares: Middle Eastern, 0.017%; no homozygotes.

Submissions (3):

Labcorp Genetics (formerly Invitae), Labcorp
Classification: Uncertain significance for Immunodeficiency 35. Last evaluated: 2025-03-17. Review status: criteria provided, single submitter. Criteria: Invitae Variant Classification Sherloc (09022015). Collection method: clinical testing. Allele origin: germline.
Comment: This sequence change replaces arginine, which is basic and polar, with tryptophan, which is neutral and slightly polar, at codon 501 of the TYK2 protein (p.Arg501Trp). The frequency data for this variant in the population databases is considered unreliable, as metrics indicate poor data quality at this position in the gnomAD database. This variant has not been reported in the literature in individuals affected with TYK2-related conditions. ClinVar contains an entry for this variant (Variation ID: 623926). Invitae Evidence Modeling of protein sequence and biophysical properties (such as structural, functional, and spatial information, amino acid conservation, physicochemical variation, residue mobility, and thermodynamic stability) indicates that this missense variant is expected to disrupt TYK2 protein function with a positive predictive value of 80%. In summary, the available evidence is currently insufficient to determine the role of this variant in disease. Therefore, it has been classified as a Variant of Uncertain Significance.

Blueprint Genetics
Classification: Uncertain significance. Last evaluated: 2022-06-28. Review status: criteria provided, single submitter. Criteria: ACMG Guidelines, 2015. Collection method: clinical testing. Allele origin: germline.

CeGaT Center for Human Genetics Tuebingen
Classification: Uncertain significance. Last evaluated: 2018-07-01. Review status: criteria provided, single submitter. Criteria: CeGaT Center For Human Genetics Tuebingen Variant Classification Criteria Version 2. Collection method: clinical testing. Allele origin: germline. Affected: yes. Observed: 2 variant alleles.

NM_003331.5(TYK2):c.1501C>T (p.Arg501Trp)

Gene: TYK2 (tyrosine kinase 2; minus strand). Cytogenetic location: 19p13.2.
Variant type: single nucleotide variant.
Coding change: c.1501C>T on transcript NM_003331.5 (MANE Select); coding-DNA position 1501, C replaced by T.
Protein change: p.Arg501Trp; replaces arginine 501 with tryptophan.
Molecular consequence: missense variant.
Genome position (GRCh38, 1-based): chr19:10,362,432, G>A on the plus strand (C>T on the coding strand, the complement: TYK2 is on the minus strand). VCF-style: chr19-10362432-G-A. GRCh37 (hg19) VCF-style: chr19-10473108-G-A.
Other names: short protein forms R501W.
Identifiers: ClinVar variation 623926 (VCV000623926.49), dbSNP rs756944840, ClinGen allele CA9193397.